The following is an entry in ClinVar:

ClinVar aggregate classification (germline): Likely pathogenic (1 of 4 stars; one submission).

Conditions:
Autosomal recessive nonsyndromic hearing loss 7. Also called: DEAFNESS, AUTOSOMAL RECESSIVE 11. Identifiers: Orphanet 90636, MedGen C1832978, MONDO:0010967, OMIM 600974.

Submission:

Institute of Rare Diseases, West China Hospital, Sichuan University
Classification: Likely pathogenic for Autosomal recessive nonsyndromic hearing loss 7. Last evaluated: 2025-01-09. Review status: criteria provided, single submitter. Criteria: ClinGen HL ACMG Specifications v1. Collection method: research. Allele origin: germline. Affected: yes.
Comment: PVS1;PM2_Supporting

NM_138691.3(TMC1):c.2180del (p.Asn727fs)

Gene: TMC1 (transmembrane channel like 1; plus strand). Cytogenetic location: 9q21.13.
Variant type: Deletion.
Coding change: c.2180del on transcript NM_138691.3 (MANE Select); coding-DNA position 2180, one base deleted (A; older notation c.2180delA).
Protein change: p.Asn727fs; shifts the reading frame from asparagine 727.
Molecular consequence: frameshift variant.
Genome position (GRCh38, 1-based): chr9:72,830,501, A deleted; the last of 2 consecutive A bases (chr9:72,830,500-72,830,501); deleting either gives the same sequence. VCF-style (leftmost placement, unchanged base first): chr9-72830499-GA-G. GRCh37 (hg19) VCF-style: chr9-75445415-GA-G.
Other names: short protein forms N727fs.
Identifiers: ClinVar variation 3601903 (VCV003601903.1).